The following is an entry in ClinVar:

NM_032620.4(GTPBP3):c.682G>T (p.Ala228Ser)

Gene: GTPBP3 (GTP binding protein 3, mitochondrial; plus strand). Cytogenetic location: 19p13.11.
Variant type: single nucleotide variant.
Coding change: c.682G>T on transcript NM_032620.4 (MANE Select); coding-DNA position 682, G replaced by T.
Protein change: p.Ala228Ser; replaces alanine 228 with serine.
Molecular consequence: missense variant.
Genome position (GRCh38, 1-based): chr19:17,339,140, G>T. VCF-style: chr19-17339140-G-T. GRCh37 (hg19) VCF-style: chr19-17449949-G-T.
Other names: c.682G>T, p.Ala228Ser (NM_001128855.3); c.748G>T, p.Ala250Ser (NM_001195422.1); c.778G>T, p.Ala260Ser (NM_133644.4); c.778G>T (NM_133644.3); short protein forms A250S, A260S, A228S.
Identifiers: ClinVar variation 1397558 (VCV001397558.8), dbSNP rs772348422, ClinGen allele CA9293461.

ClinVar aggregate classification (germline): Uncertain significance. Review status: criteria provided, multiple submitters, no conflicts (2 of 4 stars). 3 submissions from 3 submitters: Uncertain significance (3). Last evaluated 2025-02-13.

Conditions:
Combined oxidative phosphorylation defect type 23. Also called: Combined oxidative phosphorylation deficiency 23. Identifiers: Orphanet 444013, MedGen C5567743, MONDO:0014525, OMIM 616198.

Allele frequency attached by ClinVar (database versions not stated): ExAC 0.00001; gnomAD 0.00001; TOPMed 0.00001.

Submissions (3):

GeneDx
Classification: Uncertain significance. Last evaluated: 2025-02-13. Review status: criteria provided, single submitter. Criteria: GeneDx Variant Classification Process June 2021. Collection method: clinical testing. Allele origin: germline. Affected: yes.
Comment: Not observed at significant frequency in large population cohorts (gnomAD); In silico analysis indicates that this missense variant does not alter protein structure/function; Has not been previously published as pathogenic or benign to our knowledge

Labcorp Genetics (formerly Invitae), Labcorp
Classification: Uncertain significance. Last evaluated: 2023-10-13. Review status: criteria provided, single submitter. Criteria: Invitae Variant Classification Sherloc (09022015). Collection method: clinical testing. Allele origin: germline.
Comment: This sequence change replaces alanine, which is neutral and non-polar, with serine, which is neutral and polar, at codon 260 of the GTPBP3 protein (p.Ala260Ser). This variant is present in population databases (rs772348422, gnomAD 0.0009%). This variant has not been reported in the literature in individuals affected with GTPBP3-related conditions. ClinVar contains an entry for this variant (Variation ID: 1397558). Advanced modeling of protein sequence and biophysical properties (such as structural, functional, and spatial information, amino acid conservation, physicochemical variation, residue mobility, and thermodynamic stability) performed at Invitae indicates that this missense variant is not expected to disrupt GTPBP3 protein function. In summary, the available evidence is currently insufficient to determine the role of this variant in disease. Therefore, it has been classified as a Variant of Uncertain Significance.

Fulgent Genetics
Classification: Uncertain significance for Combined oxidative phosphorylation defect type 23. Last evaluated: 2022-02-28. Review status: criteria provided, single submitter. Criteria: ACMG Guidelines, 2015. Collection method: clinical testing. Allele origin: unknown.